The following is an entry in ClinVar:

NC_000017.10:g.(?_41196311)_(41199721_41201137)del

Gene: BRCA1 (BRCA1 DNA repair associated; minus strand). Cytogenetic location: 17q21.31.
Variant type: Deletion.
Identifiers: ClinVar variation 1339722 (VCV001339722.1).

ClinVar aggregate classification (germline): Pathogenic (1 of 4 stars; one submission).

Conditions:
Hereditary breast ovarian cancer syndrome. Also called: Hereditary breast and ovarian cancer syndrome; Hereditary breast and ovarian cancer; Breast and ovarian cancer; Hereditary breast and/or ovarian cancer syndrome; Hereditary breast and ovarian cancer syndrome (HBOC); BRCA1- and BRCA2-Associated Hereditary Breast and Ovarian Cancer. Identifiers: Orphanet 145, MedGen C0677776, MeSH D061325, MONDO:0003582. Disease mechanism: loss of function.

Submission:

Women's Health and Genetics/Laboratory Corporation of America, LabCorp
Classification: Pathogenic for Hereditary breast ovarian cancer syndrome. Last evaluated: 2022-01-19. Review status: criteria provided, single submitter. Criteria: LabCorp Variant Classification Summary - May 2015. Collection method: clinical testing. Allele origin: germline.
Comment: Variant summary: The variant identified by MLPA or other technology involves the deletion of the last 2 exons (exons 22-23) in the BRCA1 gene. A presumed nomenclature of c.(5406+1_5407-1)_(*1384_?)del has been designated for the purposes of this classification. The variant was absent in 21694 control chromosomes (gnomAD, Structural Variants dataset). Deletion of exons 22-23 (also known as exons 23-24 using alternate exon numbering) has been reported in the literature in multiple individuals affected with Hereditary Breast And Ovarian Cancer Syndrome (e.g. de la Hoya_2006, Engert_2008, Stavropoulou_2013). These data indicate that the variant is very likely to be associated with disease. A ClinVar submitter (evaluation after 2014) cites the variant as pathogenic. Based on the evidence outlined above, the variant was classified as pathogenic.

Literature cited by the submitters: PubMed 23536787; PubMed 18431737; PubMed 16793929.